The following is an entry in ClinVar:

NM_001903.5(CTNNA1):c.2254G>T (p.Ala752Ser)

Gene: CTNNA1 (catenin alpha 1; plus strand). Cytogenetic location: 5q31.2.
Variant type: single nucleotide variant.
Coding change: c.2254G>T on transcript NM_001903.5 (MANE Select); coding-DNA position 2254, G replaced by T.
Protein change: p.Ala752Ser; replaces alanine 752 with serine.
Molecular consequence: missense variant.
Genome position (GRCh38, 1-based): chr5:138,930,891, G>T. VCF-style: chr5-138930891-G-T. GRCh37 (hg19) VCF-style: chr5-138266580-G-T.
Other names: c.2254G>T, p.Ala752Ser (NM_001290307.3, NM_001323982.2, NM_001323983.1 and 2 more transcripts); c.1945G>T, p.Ala649Ser (NM_001290309.3); c.1885G>T, p.Ala629Ser (NM_001290310.3); c.1144G>T, p.Ala382Ser (NM_001290312.1, NM_001323987.1, NM_001323988.1 and 17 more transcripts); c.2161G>T, p.Ala721Ser (NM_001323986.2); c.805G>T, p.Ala269Ser (NM_001324009.1, NM_001324010.1, NM_001324006.1 and 2 more transcripts); c.1051G>T, p.Ala351Ser (NM_001324011.1); c.901G>T, p.Ala301Ser (NM_001324012.1, NM_001324013.1); short protein forms A649S, A301S, A351S, A629S, A752S, A269S, A382S, A721S.
Identifiers: ClinVar variation 3270092 (VCV003270092.1).
Genomic context (GRCh38, chr5:138,930,891, plus strand): 5'-GGTAAAGGACCACTCAAAAATACATCGGATGTCATCAGTGCTGCCAAGAAAATTGCTGAG[G>T]CAGGATCCAGGATGGACAAGCTTGGCCGCACCATTGCAGACCATGTAAGTGACAGACTTG-3'
Protein context (NP_001894.2, residues 742-762): VISAAKKIAE[Ala752Ser]GSRMDKLGRT

ClinVar aggregate classification (germline): Uncertain significance (1 of 4 stars; one submission).

Conditions:
Hereditary cancer-predisposing syndrome. Also called: Tumor predisposition; Hereditary Cancer Syndrome; Hereditary neoplastic syndrome; Neoplastic Syndromes, Hereditary. Identifiers: Orphanet 140162, MedGen C0027672, MeSH D009386, MONDO:0015356.

Submission:

Ambry Genetics
Classification: Uncertain significance for Hereditary cancer-predisposing syndrome. Last evaluated: 2024-04-09. Review status: criteria provided, single submitter. Criteria: Ambry Variant Classification Scheme 2023. Collection method: clinical testing. Allele origin: germline.
Comment: The p.A752S variant (also known as c.2254G>T), located in coding exon 15 of the CTNNA1 gene, results from a G to T substitution at nucleotide position 2254. The alanine at codon 752 is replaced by serine, an amino acid with similar properties. This amino acid position is conserved. In addition, this alteration is predicted to be tolerated by in silico analysis. Based on the available evidence, the clinical significance of this variant remains unclear.